The following is an entry in ClinVar:

ClinVar aggregate classification (germline): Pathogenic/Likely pathogenic. Review status: criteria provided, multiple submitters, no conflicts (2 of 4 stars). 4 submissions from 4 submitters: Pathogenic (1); Likely pathogenic (2). 1 of the submissions does not count toward it. Last evaluated 2024-11-26.

Conditions:
Loeys-Dietz syndrome (LDS). Identifiers: Orphanet 60030, MedGen C2697932, MONDO:0018954.
Familial thoracic aortic aneurysm and aortic dissection (TAAD). Also called: Thoracic aortic aneurysms and dissections. Identifiers: Orphanet 91387, MedGen C4707243, MONDO:0019625.
Marfan syndrome (MFS). Also called: MARFAN SYNDROME, TYPE I; FBN1-Related Marfan Syndrome; Marfan syndrome, classic; Marfan syndrome type 1; Marfan's syndrome. Identifiers: Orphanet 284963, Orphanet 558, MedGen C0024796, MONDO:0007947, OMIM 154700.

Submissions (4):

Labcorp Genetics (formerly Invitae), Labcorp
Classification: Pathogenic for Familial thoracic aortic aneurysm and aortic dissection. Last evaluated: 2024-11-26. Review status: criteria provided, single submitter. Criteria: Invitae Variant Classification Sherloc (09022015). Collection method: clinical testing. Allele origin: germline.
Comment: This sequence change replaces methionine, which is neutral and non-polar, with valine, which is neutral and non-polar, at codon 253 of the TGFBR1 protein (p.Met253Val). This variant is not present in population databases (gnomAD no frequency). This missense change has been observed in individuals with clinical features of TGFBR1-related conditions (external communication, internal data). ClinVar contains an entry for this variant (Variation ID: 263773). Invitae Evidence Modeling of protein sequence and biophysical properties (such as structural, functional, and spatial information, amino acid conservation, physicochemical variation, residue mobility, and thermodynamic stability) indicates that this missense variant is expected to disrupt TGFBR1 protein function with a positive predictive value of 80%. This variant disrupts the p.Met253 amino acid residue in TGFBR1. Other variant(s) that disrupt this residue have been determined to be pathogenic (PMID: 16799921, 18781618, 31624717). This suggests that this residue is clinically significant, and that variants that disrupt this residue are likely to be disease-causing. For these reasons, this variant has been classified as Pathogenic.

MGZ Medical Genetics Center
Classification: Likely pathogenic for Marfan syndrome. Last evaluated: 2021-09-27. Review status: criteria provided, single submitter. Criteria: ACMG Guidelines, 2015. Collection method: clinical testing. Allele origin: germline. Affected: yes. Observed: 1 variant allele.
Comment: ACMG criteria applied: PM1, PM5, PM2_SUP, PP2

Ambry Genetics
Classification: Likely pathogenic for Familial thoracic aortic aneurysm and aortic dissection. Last evaluated: 2020-07-07. Review status: criteria provided, single submitter. Criteria: Ambry Variant Classification Scheme 2023. Collection method: clinical testing. Allele origin: germline.
Comment: The p.M253V variant (also known as c.757A>G) is located in coding exon 4 of the TGFBR1 gene in the protein kinase domain. This alteration results from an A to G substitution at nucleotide position 757. The methionine at codon 253 is replaced by valine, an amino acid with some highly similar properties, and is located in a protein kinase domain. Another alteration at the same codon, p.M253I (c.759G>A) has been reported in individuals with Marfan syndrome and Loeys-Dietz syndrome, with segregation of disease reported in at least one family (Singh KK et al. Hum. Mutat., 2006 Aug;27:770-7; Stheneur C et al. Hum. Mutat., 2008 Nov;29:E284-95; S&ouml;ylen B et al. Clin. Genet., 2009 Mar;75:265-70; Beckmann E et al. Ann. Thorac. Surg., 2014 May;97:e125-7; Jondeau G et al. Circ Cardiovasc Genet, 2016 Dec;9:548-558). In addition, this alteration is predicted to be deleterious by in silico analysis. Based on the majority of available evidence to date, this variant is likely to be pathogenic.

Clinical Molecular Genetics Laboratory, Johns Hopkins All Children's Hospital
Classification: Likely pathogenic for Loeys-Dietz syndrome. Last evaluated: 2017-05-31. Review status: no assertion criteria provided. Collection method: clinical testing. Allele origin: germline. Affected: yes. Not counted in ClinVar's aggregate classification.

Literature cited by the submitters: PubMed 16799921 (cited by Labcorp Genetics (formerly Invitae), Labcorp); PubMed 18781618 (cited by Labcorp Genetics (formerly Invitae), Labcorp); PubMed 31624717 (cited by Labcorp Genetics (formerly Invitae), Labcorp); PubMed 28152038 (cited by Ambry Genetics).

NM_004612.4(TGFBR1):c.757A>G (p.Met253Val)

Gene: TGFBR1 (transforming growth factor beta receptor 1; plus strand). Cytogenetic location: 9q22.33.
Variant type: single nucleotide variant.
Coding change: c.757A>G on transcript NM_004612.4 (MANE Select); coding-DNA position 757, A replaced by G.
Protein change: p.Met253Val; replaces methionine 253 with valine.
Molecular consequence: missense variant.
Genome position (GRCh38, 1-based): chr9:99,138,041, A>G. VCF-style: chr9-99138041-A-G. GRCh37 (hg19) VCF-style: chr9-101900323-A-G.
Other names: c.526A>G, p.Met176Val (NM_001130916.3); c.769A>G, p.Met257Val (NM_001306210.2); short protein forms M253V, M176V, M257V.
Identifiers: ClinVar variation 263773 (VCV000263773.15), dbSNP rs886038919, ClinGen allele CA10587682.